The following is an entry in ClinVar:

NM_001142800.2(EYS):c.5793T>A (p.Asp1931Glu)

Gene: EYS (EGF-like photoreceptor maintenance factor; minus strand). Cytogenetic location: 6q12.
Variant type: single nucleotide variant.
Coding change: c.5793T>A on transcript NM_001142800.2 (MANE Select); coding-DNA position 5793, T replaced by A.
Protein change: p.Asp1931Glu; replaces aspartic acid 1931 with glutamic acid.
Molecular consequence: missense variant.
Genome position (GRCh38, 1-based): chr6:64,439,204, A>T on the plus strand (T>A on the coding strand, the complement: EYS is on the minus strand). VCF-style: chr6-64439204-A-T. GRCh37 (hg19) VCF-style: chr6-65149097-A-T.
Other names: c.5793T>A, p.Asp1931Glu (NM_001292009.2); short protein forms D1931E.
Identifiers: ClinVar variation 1346481 (VCV001346481.8), dbSNP rs1774853217, ClinGen allele CA364392593.

ClinVar aggregate classification (germline): Uncertain significance (1 of 4 stars; one submission).

Submission:

Labcorp Genetics (formerly Invitae), Labcorp
Classification: Uncertain significance. Last evaluated: 2021-02-23. Review status: criteria provided, single submitter. Criteria: Invitae Variant Classification Sherloc (09022015). Collection method: clinical testing. Allele origin: germline.
Comment: In summary, the available evidence is currently insufficient to determine the role of this variant in disease. Therefore, it has been classified as a Variant of Uncertain Significance. Algorithms developed to predict the effect of missense changes on protein structure and function (SIFT, PolyPhen-2, Align-GVGD) all suggest that this variant is likely to be tolerated, but these predictions have not been confirmed by published functional studies and their clinical significance is uncertain. This variant has not been reported in the literature in individuals with EYS-related conditions. This variant is not present in population databases (ExAC no frequency). This sequence change replaces aspartic acid with glutamic acid at codon 1931 of the EYS protein (p.Asp1931Glu). The aspartic acid residue is moderately conserved and there is a small physicochemical difference between aspartic acid and glutamic acid.